The following is an entry in ClinVar:

NM_021098.3(CACNA1H):c.1566_1574del (p.His526_His528del)

Gene: CACNA1H (calcium voltage-gated channel subunit alpha1 H; plus strand). Cytogenetic location: 16p13.3.
Variant type: Deletion.
Coding change: c.1566_1574del on transcript NM_021098.3 (MANE Select); coding-DNA positions 1566 to 1574, 9 bases deleted (TCACCACCA; older notation c.1566_1574delTCACCACCA).
Protein change: p.His526_His528del.
Molecular consequence: inframe deletion.
Genome position (GRCh38, 1-based): chr16:1,202,016-1,202,024, TCACCACCA deleted; deleting any 9 consecutive bases within chr16:1,202,008-1,202,024 gives the same sequence; the c. name uses the placement nearest the transcript's 3' end. VCF-style (leftmost placement, unchanged base first): chr16-1202007-CCACCACCAT-C. GRCh37 (hg19) VCF-style: chr16-1252007-CCACCACCAT-C.
Other names: c.1566_1574del, p.His526_His528del (NM_001005407.2).
Identifiers: ClinVar variation 2923432 (VCV002923432.3), dbSNP rs775405604, ClinGen allele CA7799965.

ClinVar aggregate classification (germline): Uncertain significance (1 of 4 stars; one submission).

Conditions:
Idiopathic generalized epilepsy. Also called: Generalised epilepsy; EIG. Identifiers: MedGen C0270850, MONDO:0005579, OMIM 600669.
Hyperaldosteronism, familial, type IV (HALD4). Also called: FH IV; ALDOSTERONISM, PRIMARY, AND HYPERTENSION. Identifiers: Orphanet 642671, MedGen C4310756, MONDO:0014875, OMIM 617027.

Submission:

Labcorp Genetics (formerly Invitae), Labcorp
Classification: Uncertain significance for Idiopathic generalized epilepsy; Hyperaldosteronism, familial, type IV. Last evaluated: 2023-04-28. Review status: criteria provided, single submitter. Criteria: Invitae Variant Classification Sherloc (09022015). Collection method: clinical testing. Allele origin: germline.
Comment: In summary, the available evidence is currently insufficient to determine the role of this variant in disease. Therefore, it has been classified as a Variant of Uncertain Significance. Experimental studies and prediction algorithms are not available or were not evaluated, and the functional significance of this variant is currently unknown. This variant has not been reported in the literature in individuals affected with CACNA1H-related conditions. This variant is present in population databases (rs775405604, gnomAD 0.009%). This variant, c.1566_1574del, results in the deletion of 3 amino acid(s) of the CACNA1H protein (p.His526_His528del), but otherwise preserves the integrity of the reading frame.